The following is an entry in ClinVar:

ClinVar aggregate classification (germline): Uncertain significance (1 of 4 stars; one submission).

Conditions:
Joubert syndrome 21 (JBTS21). Identifiers: MedGen C3810212, MONDO:0014288, OMIM 615636.

Submission:

Labcorp Genetics (formerly Invitae), Labcorp
Classification: Uncertain significance for Joubert syndrome 21. Last evaluated: 2021-04-04. Review status: criteria provided, single submitter. Criteria: Invitae Variant Classification Sherloc (09022015). Collection method: clinical testing. Allele origin: germline.
Comment: In summary, the available evidence is currently insufficient to determine the role of this variant in disease. Therefore, it has been classified as a Variant of Uncertain Significance. Algorithms developed to predict the effect of missense changes on protein structure and function are either unavailable or do not agree on the potential impact of this missense change (SIFT: "Deleterious"; PolyPhen-2: "Probably Damaging"; Align-GVGD: "Class C0"). This variant has not been reported in the literature in individuals with CSPP1-related conditions. This variant is not present in population databases (ExAC no frequency). This sequence change replaces leucine with isoleucine at codon 123 of the CSPP1 protein (p.Leu123Ile). The leucine residue is highly conserved and there is a small physicochemical difference between leucine and isoleucine.

NM_001382391.1(CSPP1):c.259T>A (p.Leu87Ile)

Gene: CSPP1 (centrosome and spindle pole associated protein 1; plus strand). Cytogenetic location: 8q13.1.
Variant type: single nucleotide variant.
Coding change: c.259T>A on transcript NM_001382391.1 (MANE Select); coding-DNA position 259, T replaced by A.
Protein change: p.Leu87Ile; replaces leucine 87 with isoleucine.
Molecular consequence: missense variant. On other transcripts: 5 prime UTR variant (1).
Genome position (GRCh38, 1-based): chr8:67,086,066, T>A. VCF-style: chr8-67086066-T-A. GRCh37 (hg19) VCF-style: chr8-67998301-T-A.
Other names: c.-516T>A (NM_001291339.2); c.259T>A, p.Leu87Ile (NM_001363131.2, NM_001363132.2, NM_001363133.2); c.367T>A, p.Leu123Ile (NM_001364869.1, NM_001364870.1, NM_024790.7); short protein forms L87I, L123I.
Identifiers: ClinVar variation 1506158 (VCV001506158.8), dbSNP rs2129543528, ClinGen allele CA371186788.